The following is an entry in ClinVar:

NM_203290.4(POLR1C):c.571C>T (p.Arg191Ter)

Gene: POLR1C (RNA polymerase I and III subunit C; plus strand). Cytogenetic location: 6p21.1.
Variant type: single nucleotide variant.
Coding change: c.571C>T on transcript NM_203290.4 (MANE Select); coding-DNA position 571, C replaced by T.
Protein change: p.Arg191Ter; replaces arginine 191 with a stop codon.
Molecular consequence: nonsense.
Genome position (GRCh38, 1-based): chr6:43,520,343, C>T. VCF-style: chr6-43520343-C-T. GRCh37 (hg19) VCF-style: chr6-43488081-C-T.
Other names: c.571C>T, p.Arg191Ter (NM_001318876.2, NM_001363658.2); short protein forms R191*.
Identifiers: ClinVar variation 4748461 (VCV004748461.1).
Genomic context (GRCh38, chr6:43,520,343, plus strand): 5'-AGGCATATGACATGGATCCCCCTGGGGAACCAGGCTGATCTCTTTCCAGAGGGCACTATC[C>T]GACCAGTGCATGATGATATCCTCATCGCTCAGCTGCGGCCTGGCCAAGAAATTGACCTGC-3'

ClinVar aggregate classification (germline): Pathogenic (1 of 4 stars; one submission).

gnomAD v4.1: 5 of 1,613,512 alleles (0.00031%); highest among the groups gnomAD compares: South Asian, 0.0011%; no homozygotes.

Submission:

Labcorp Genetics (formerly Invitae), Labcorp
Classification: Pathogenic. Last evaluated: 2025-03-07. Review status: criteria provided, single submitter. Criteria: Invitae Variant Classification Sherloc (09022015). Collection method: clinical testing. Allele origin: germline.
Comment: This sequence change creates a premature translational stop signal (p.Arg191*) in the POLR1C gene. It is expected to result in an absent or disrupted protein product. Loss-of-function variants in POLR1C are known to be pathogenic (PMID: 21131976, 26151409, 32042905). This variant is not present in population databases (gnomAD no frequency). This variant has not been reported in the literature in individuals affected with POLR1C-related conditions. For these reasons, this variant has been classified as Pathogenic.

Literature cited by the submitters: PubMed 21131976; PubMed 26151409; PubMed 32042905.